The following is an entry in ClinVar:

NM_173477.5(USH1G):c.1076G>C (p.Ser359Thr)

Gene: USH1G (USH1 protein network component sans; minus strand). Cytogenetic location: 17q25.1.
Variant type: single nucleotide variant.
Coding change: c.1076G>C on transcript NM_173477.5 (MANE Select); coding-DNA position 1076, G replaced by C.
Protein change: p.Ser359Thr; replaces serine 359 with threonine.
Molecular consequence: missense variant.
Genome position (GRCh38, 1-based): chr17:74,919,760, C>G on the plus strand (G>C on the coding strand, the complement: USH1G is on the minus strand). VCF-style: chr17-74919760-C-G. GRCh37 (hg19) VCF-style: chr17-72915855-C-G.
Other names: c.767G>C, p.Ser256Thr (NM_001282489.3); short protein forms S256T, S359T.
Identifiers: ClinVar variation 1304458 (VCV001304458.2), dbSNP rs746392682, ClinGen allele CA400961837.
Genomic context (GRCh38, chr17:74,919,760, plus strand): 5'-AAATCGAGCTCATCCCAGGGCAGCTCCTCCCCACAGCTGCGGTCCTGCAGGCTGTTGGCA[C>G]TGCCCAGGCTGTCATCGTCCAGGCTGGGGGAGCTCTGCAGCCGACCCCGCGGCGCTCCCA-3'
Protein context (NP_775748.2, residues 349-369): SPSLDDDSLG[Ser359Thr]ANSLQDRSCG

ClinVar aggregate classification (germline): Uncertain significance (1 of 4 stars; one submission).

Submission:

GeneDx
Classification: Uncertain significance. Last evaluated: 2021-09-15. Review status: criteria provided, single submitter. Criteria: GeneDx Variant Classification Process June 2021. Collection method: clinical testing. Allele origin: germline. Affected: yes.
Comment: Not observed in large population cohorts (Lek et al., 2016); In silico analysis, which includes protein predictors and evolutionary conservation, supports that this variant does not alter protein structure/function; Has not been previously published as pathogenic or benign to our knowledge